The following is an entry in ClinVar:

NM_004519.4(KCNQ3):c.1273G>A (p.Gly425Ser)

Gene: KCNQ3 (potassium voltage-gated channel subfamily Q member 3; minus strand). Cytogenetic location: 8q24.22.
Variant type: single nucleotide variant.
Coding change: c.1273G>A on transcript NM_004519.4 (MANE Select); coding-DNA position 1273, G replaced by A.
Protein change: p.Gly425Ser; replaces glycine 425 with serine.
Molecular consequence: missense variant.
Genome position (GRCh38, 1-based): chr8:132,141,321, C>T on the plus strand (G>A on the coding strand, the complement: KCNQ3 is on the minus strand). VCF-style: chr8-132141321-C-T. GRCh37 (hg19) VCF-style: chr8-133153568-C-T.
Other names: c.913G>A, p.Gly305Ser (NM_001204824.2); short protein forms G305S, G425S.
Identifiers: ClinVar variation 2092576 (VCV002092576.4), dbSNP rs1586764088, ClinGen allele CA372220477.

ClinVar aggregate classification (germline): Uncertain significance (1 of 4 stars; one submission).

Conditions:
Benign neonatal seizures. Also called: Benign familial neonatal seizures; Benign neonatal familial convulsions; Convulsions benign familial neonatal dominant form; Autosomal dominant form of benign neonatal seizures; Benign familial neonatal epilepsy. Identifiers: Orphanet 1949, MedGen C0220669, MONDO:0016027.

Allele frequency attached by ClinVar (database versions not stated): gnomAD exomes below 0.00001.
gnomAD v4.1: 1 of 1,614,074 alleles (0.000062%); highest among the groups gnomAD compares: Non-Finnish European, 0.000085%; no homozygotes.

Submission:

Labcorp Genetics (formerly Invitae), Labcorp
Classification: Uncertain significance for Benign neonatal seizures. Last evaluated: 2022-08-13. Review status: criteria provided, single submitter. Criteria: Invitae Variant Classification Sherloc (09022015). Collection method: clinical testing. Allele origin: germline.
Comment: In summary, the available evidence is currently insufficient to determine the role of this variant in disease. Therefore, it has been classified as a Variant of Uncertain Significance. Advanced modeling of protein sequence and biophysical properties (such as structural, functional, and spatial information, amino acid conservation, physicochemical variation, residue mobility, and thermodynamic stability) performed at Invitae indicates that this missense variant is not expected to disrupt KCNQ3 protein function. This variant has not been reported in the literature in individuals affected with KCNQ3-related conditions. This variant is not present in population databases (gnomAD no frequency). This sequence change replaces glycine, which is neutral and non-polar, with serine, which is neutral and polar, at codon 425 of the KCNQ3 protein (p.Gly425Ser).